The following is an entry in ClinVar:

ClinVar aggregate classification (germline): Likely benign. Review status: criteria provided, single submitter (1 of 4 stars). 2 submissions from 2 submitters: Likely benign (1). 1 of the submissions does not count toward it. Last evaluated 2025-08-24.

Conditions:
ZFHX4-related disorder. Also called: ZFHX4-related condition.

Allele frequency attached by ClinVar (database versions not stated): gnomAD 0.00004; TOPMed 0.00017; gnomAD exomes 0.00025; ExAC 0.00071.
gnomAD v4.1: 169 of 1,613,294 alleles (0.01%); highest among the groups gnomAD compares: Admixed American, 0.26%; 3 homozygotes.

Submissions (2):

Ambry Genetics
Classification: Likely benign. Last evaluated: 2025-08-24. Review status: criteria provided, single submitter. Criteria: Ambry Variant Classification Scheme 2023. Collection method: clinical testing. Allele origin: germline.

PreventionGenetics, part of Exact Sciences
Classification: Likely benign for ZFHX4-related condition. Last evaluated: 2019-05-13. Review status: no assertion criteria provided. Collection method: clinical testing. Allele origin: germline. Not counted in ClinVar's aggregate classification.
Comment: This variant is classified as likely benign based on ACMG/AMP sequence variant interpretation guidelines (Richards et al. 2015 PMID: 25741868, with internal and published modifications).

NM_024721.5(ZFHX4):c.4471T>C (p.Tyr1491His)

Gene: ZFHX4 (zinc finger homeobox 4; plus strand). Cytogenetic location: 8q21.13.
Variant type: single nucleotide variant.
Coding change: c.4471T>C on transcript NM_024721.5 (MANE Select); coding-DNA position 4471, T replaced by C.
Protein change: p.Tyr1491His; replaces tyrosine 1491 with histidine.
Molecular consequence: missense variant.
Genome position (GRCh38, 1-based): chr8:76,851,392, T>C. VCF-style: chr8-76851392-T-C. GRCh37 (hg19) VCF-style: chr8-77763628-T-C.
Other names: c.4393T>C, p.Tyr1465His (NM_001410934.1); short protein forms Y1465H, Y1491H.
Identifiers: ClinVar variation 3041492 (VCV003041492.3), dbSNP rs562503838, ClinGen allele CA4787522.
Genomic context (GRCh38, chr8:76,851,392, plus strand): 5'-GCAGAGAGCGAAACTATGTCCCAGGATGACCATGGCCTAGAGCAGGAAATGGAGAGAGAG[T>C]ATGAGGTGGACCACGAAGGGAAAGCAAGTCCTGTAGGAAGTGATAGTAGCTCTATTCCAG-3'
Protein context (NP_078997.4, residues 1481-1501): HGLEQEMERE[Tyr1491His]EVDHEGKASP